The following is an entry in ClinVar:

NM_000135.4(FANCA):c.3183C>T (p.Ser1061=)

Gene: FANCA (FA complementation group A; minus strand). Cytogenetic location: 16q24.3.
Variant type: single nucleotide variant.
Coding change: c.3183C>T on transcript NM_000135.4 (MANE Select); coding-DNA position 3183, C replaced by T.
Protein change: p.Ser1061=; no amino-acid change (serine 1061 retained).
Molecular consequence: synonymous variant.
Genome position (GRCh38, 1-based): chr16:89,749,786, G>A on the plus strand (C>T on the coding strand, the complement: FANCA is on the minus strand). VCF-style: chr16-89749786-G-A. GRCh37 (hg19) VCF-style: chr16-89816194-G-A.
Other names: c.3183C>T (LRG_495t1, NM_000135.3); c.3183C>T, p.Ser1061= (NM_001286167.3).
Identifiers: ClinVar variation 414839 (VCV000414839.41), dbSNP rs1800346, ClinGen allele CA8251308.

ClinVar aggregate classification (germline): Conflicting classifications of pathogenicity. Review status: criteria provided, conflicting classifications (1 of 4 stars). 11 submissions from 11 submitters: Uncertain significance (4); Likely benign (5). 2 of the submissions do not count toward it. Last evaluated 2025-12-24.

Conditions:
FANCA-related disorder. Also called: FANCA-related condition.
Inborn genetic diseases. Identifiers: MedGen C0950123, MeSH D030342.
Fanconi anemia (FA). Also called: Fanconi's anemia. Identifiers: Orphanet 84, MedGen C0015625, MeSH D005199, MONDO:0019391.
Fanconi anemia complementation group A (FANCA). Also called: FANCA-Related Fanconi Anemia; Fanconi anemia, group A. Identifiers: Orphanet 84, MedGen C3469521, MONDO:0009215, OMIM 227650.

Allele frequency attached by ClinVar (database versions not stated): gnomAD exomes 0.00004 and 0.00009; ExAC 0.00012; ESP Exome Variant Server 0.00015; gnomAD 0.00052 and 0.00053; TOPMed 0.00087; 1000 Genomes Project 0.00120; 1000 Genomes Project 30x 0.00125.
gnomAD v4.1: 142 of 1,614,214 alleles (0.0088%); highest among the groups gnomAD compares: Admixed American, 0.1%; 1 homozygote.

Submissions (14):

Labcorp Genetics (formerly Invitae), Labcorp
Classification: Likely benign for Fanconi anemia. Last evaluated: 2025-12-24. Review status: criteria provided, single submitter. Criteria: Invitae Variant Classification Sherloc (09022015). Collection method: clinical testing. Allele origin: germline.

Quest Diagnostics Nichols Institute San Juan Capistrano
Classification: Uncertain significance. Last evaluated: 2025-07-16. Review status: criteria provided, single submitter. Criteria: Quest Diagnostics criteria. Collection method: clinical testing. Allele origin: unknown.
Comment: The FANCA c.3183C>T (p.Ser1061=) synonymous variant has been reported in the published literature in Fanconi Anemia (PMID: 15643609 (2005)). The frequency of this variant in the general population (Genome Aggregation Database) is uninformative in the assessment of its pathogenicity. Analysis of this variant using software algorithms for the prediction of the effect of nucleotide changes on FANCA mRNA splicing yielded predictions that this variant may result in the gain of a cryptic splice site without affecting the natural splice sites. Based on the available information, we are unable to determine the clinical significance of this variant.

CeGaT Center for Human Genetics Tuebingen
Classification: Likely benign. Last evaluated: 2024-11-01. Review status: criteria provided, single submitter. Criteria: CeGaT Center For Human Genetics Tuebingen Variant Classification Criteria Version 2. Collection method: clinical testing. Allele origin: germline. Affected: yes. Observed: 1 variant allele.
Comment: FANCA: BP4, BP7

Ambry Genetics
Classification: Likely benign for Inborn genetic diseases. Last evaluated: 2024-10-04. Review status: criteria provided, single submitter. Criteria: Ambry Variant Classification Scheme 2023. Collection method: clinical testing. Allele origin: germline.

Blueprint Genetics
Classification: Uncertain significance. Last evaluated: 2024-03-28. Review status: criteria provided, single submitter. Criteria: ACMG Guidelines, 2015. Collection method: clinical testing. Allele origin: germline.

KCCC/NGS Laboratory, Kuwait Cancer Control Center
Classification: Likely benign for Fanconi anemia complementation group A. Last evaluated: 2023-07-07. Review status: criteria provided, single submitter. Criteria: ACMG Guidelines, 2015. Collection method: clinical testing. Allele origin: germline. Affected: yes.

Sema4
Classification: Uncertain significance for Fanconi anemia. Last evaluated: 2021-11-15. Review status: criteria provided, single submitter. Criteria: Sema4 Curation Guidelines. Collection method: curation. Allele origin: germline.
Comment: The FANCA c.3183C>T (p.S1061=) variant has not been reported in the literature to our knowledge. This variant was observed in 13/24958 chromosomes in the African/African American population according to the Genome Aggregation Database (PMID: 32461654). This variant has been reported in ClinVar (Variation ID 414839). In silico tools that predict the effect of sequence changes on splicing suggest that this variant may impact splicing, though these predictions have not been confirmed by functional studies. The overall evidence is insufficient to meet ACMG/AMP criteria for classifying it as benign or pathogenic. In summary, the clinical significance of this variant is currently uncertain.

Genetic Services Laboratory, University of Chicago
Classification: Likely benign. Last evaluated: 2021-04-06. Review status: criteria provided, single submitter. Criteria: ACMG Guidelines, 2015. Collection method: clinical testing. Allele origin: germline. Affected: no.

GeneDx
Classification: Uncertain significance. Last evaluated: 2019-05-29. Review status: criteria provided, single submitter. Criteria: GeneDx Variant Classification Process June 2021. Collection method: clinical testing. Allele origin: germline. Affected: yes.
Comment: Has not been previously published as pathogenic or benign to our knowledge; In-silico analysis, which includes splice predictors and evolutionary conservation, is inconclusive as to whether the variant alters gene splicing. In the absence of RNA/functional studies, the actual effect of this sequence change is unknown.

PreventionGenetics, part of Exact Sciences
Classification: Likely benign for FANCA-related condition. Last evaluated: 2023-06-02. Review status: no assertion criteria provided. Collection method: clinical testing. Allele origin: germline. Not counted in ClinVar's aggregate classification.
Comment: This variant is classified as likely benign based on ACMG/AMP sequence variant interpretation guidelines (Richards et al. 2015 PMID: 25741868, with internal and published modifications).

Natera, Inc.
Classification: Likely benign for Fanconi anemia, group A. Last evaluated: 2020-09-16. Review status: no assertion criteria provided. Collection method: clinical testing. Allele origin: germline. Not counted in ClinVar's aggregate classification.

Dr. Peter K. Rogan Lab, Western University
No classification provided (evidence only). Condition: Clear cell carcinoma of kidney. Review status: no classification provided. Collection method: in vitro. Allele origin: not applicable. Functional consequence: skipped exon. Not counted in ClinVar's aggregate classification.

Dr. Peter K. Rogan Lab, Western University
No classification provided (evidence only). Condition: Familial cancer of breast. Review status: no classification provided. Collection method: in vitro. Allele origin: not applicable. Functional consequence: skipped exon, retained intron. Not counted in ClinVar's aggregate classification.

Dr. Peter K. Rogan Lab, Western University
No classification provided (evidence only). Condition: Thymoma. Review status: no classification provided. Collection method: in vitro. Allele origin: not applicable. Functional consequence: retained intron. Not counted in ClinVar's aggregate classification.

Literature cited by the submitters: PubMed 15643609 (cited by Quest Diagnostics Nichols Institute San Juan Capistrano).